The following is an entry in ClinVar:

ClinVar aggregate classification (germline): Uncertain significance (1 of 4 stars; one submission).

gnomAD v4.1: 3 of 1,541,952 alleles (0.00019%); highest among the groups gnomAD compares: Non-Finnish European, 0.00026%; no homozygotes.

Submission:

Labcorp Genetics (formerly Invitae), Labcorp
Classification: Uncertain significance. Last evaluated: 2021-12-20. Review status: criteria provided, single submitter. Criteria: Invitae Variant Classification Sherloc (09022015). Collection method: clinical testing. Allele origin: germline.
Comment: This sequence change replaces alanine, which is neutral and non-polar, with valine, which is neutral and non-polar, at codon 278 of the LTBP4 protein (p.Ala278Val). In summary, the available evidence is currently insufficient to determine the role of this variant in disease. Therefore, it has been classified as a Variant of Uncertain Significance. Experimental studies and prediction algorithms are not available or were not evaluated, and the functional significance of this variant is currently unknown. This variant has not been reported in the literature in individuals affected with LTBP4-related conditions. This variant is not present in population databases (gnomAD no frequency).

NM_001042545.2(LTBP4):c.743C>T (p.Ala248Val)

Genes: LTBP4 (latent transforming growth factor beta binding protein 4; plus strand), LOC130064475 (ATAC-STARR-seq lymphoblastoid silent region 10639; plus strand). Cytogenetic location: 19q13.2.
Variant type: single nucleotide variant.
Coding change: c.743C>T on transcript NM_001042545.2 (MANE Select); coding-DNA position 743, C replaced by T.
Protein change: p.Ala248Val; replaces alanine 248 with valine.
Molecular consequence: missense variant.
Genome position (GRCh38, 1-based): chr19:40,605,781, C>T. VCF-style: chr19-40605781-C-T. GRCh37 (hg19) VCF-style: chr19-41111687-C-T.
Other names: c.944C>T, p.Ala315Val (NM_001042544.1); c.833C>T, p.Ala278Val (NM_003573.2); short protein forms A248V, A315V, A278V.
Identifiers: ClinVar variation 2050247 (VCV002050247.2), dbSNP rs1426458642, ClinGen allele CA405933962.
Genomic context (GRCh38, chr19:40,605,781, plus strand): 5'-CCCCGCAGTGCGCGTCCCCGCTGCCCGGGCTCCGGACGCAGGAGGTCTGCTGCCGAGGGG[C>T]CGGCTTGGCCTGGGGCGTTCACGACTGTCAGCTGTGCTCCGAGCGCCTGGGTAAGCCCCA-3'
Protein context (NP_001036010.1, residues 238-258): LRTQEVCCRG[Ala248Val]GLAWGVHDCQ